The following is an entry in ClinVar:

ClinVar aggregate classification (germline): Uncertain significance (1 of 4 stars; one submission).

Submission:

GeneDx
Classification: Uncertain significance. Last evaluated: 2019-04-08. Review status: criteria provided, single submitter. Criteria: GeneDx Variant Classification Process June 2021. Collection method: clinical testing. Allele origin: germline. Affected: yes.
Comment: Not observed in large population cohorts (Lek et al., 2016); In silico analysis, which includes protein predictors and evolutionary conservation, supports a deleterious effect; Has not been previously published as pathogenic or benign to our knowledge

NM_000406.3(GNRHR):c.430A>C (p.Thr144Pro)

Gene: GNRHR (gonadotropin releasing hormone receptor; minus strand). Cytogenetic location: 4q13.2.
Variant type: single nucleotide variant.
Coding change: c.430A>C on transcript NM_000406.3 (MANE Select); coding-DNA position 430, A replaced by C.
Protein change: p.Thr144Pro; replaces threonine 144 with proline.
Molecular consequence: missense variant.
Genome position (GRCh38, 1-based): chr4:67,753,906, T>G on the plus strand (A>C on the coding strand, the complement: GNRHR is on the minus strand). VCF-style: chr4-67753906-T-G. GRCh37 (hg19) VCF-style: chr4-68619624-T-G.
Other names: c.430A>C, p.Thr144Pro (NM_001012763.2); short protein forms T144P.
Identifiers: ClinVar variation 1304993 (VCV001304993.2), dbSNP rs2109987906, ClinGen allele CA357054516.
Genomic context (GRCh38, chr4:67,753,906, plus strand): 5'-AGGCCAGGCCAACCATGGACTGTCCGACTTTGCTGTTGCTTTTCAAAGCTAGGGGCCTCG[T>G]GATAGCCAGGGAGCGGTCCAGGCTGATCACCACCATCATGAAGGCTGGGGCATACATGGA-3'
Protein context (NP_000397.1, residues 134-154): VISLDRSLAI[Thr144Pro]RPLALKSNSK